The following is an entry in ClinVar:

NM_000548.5(TSC2):c.997G>T (p.Val333Leu)

Gene: TSC2 (TSC complex subunit 2; plus strand). Cytogenetic location: 16p13.3.
Variant type: single nucleotide variant.
Coding change: c.997G>T on transcript NM_000548.5 (MANE Select); coding-DNA position 997, G replaced by T.
Protein change: p.Val333Leu; replaces valine 333 with leucine.
Molecular consequence: missense variant.
Genome position (GRCh38, 1-based): chr16:2,060,691, G>T. VCF-style: chr16-2060691-G-T. GRCh37 (hg19) VCF-style: chr16-2110692-G-T.
Other names: c.997G>T, p.Val333Leu (NM_001077183.3, NM_001114382.3, NM_001363528.2 and 3 more transcripts); c.886G>T, p.Val296Leu (NM_001318827.2); c.850G>T, p.Val284Leu (NM_001318829.2); c.397G>T, p.Val133Leu (NM_001318831.2); c.1030G>T, p.Val344Leu (NM_001318832.2); short protein forms V333L, V284L, V344L, V133L, V296L.
Identifiers: ClinVar variation 468198 (VCV000468198.16), dbSNP rs1336741146, ClinGen allele CA394317320.

ClinVar aggregate classification (germline): Conflicting classifications of pathogenicity. Review status: criteria provided, conflicting classifications (1 of 4 stars). 6 submissions from 6 submitters: Uncertain significance (5); Benign (1). Last evaluated 2025-08-18.

Conditions:
Tuberous sclerosis syndrome (TSC). Also called: Tuberous Sclerosis Complex; Tuberous sclerosis. Identifiers: Orphanet 805, MedGen C0041341, MONDO:0001734.
Tuberous sclerosis 2 (TSC2). Identifiers: Orphanet 805, MedGen C1860707, MONDO:0013199, OMIM 613254.
Isolated focal cortical dysplasia type II (FCORD2). Also called: CORTICAL DYSPLASIA OF TAYLOR; Focal cortical dysplasia type II. Identifiers: Orphanet 268994, MedGen C1846385, MONDO:0011818, OMIM 607341, HP:0032051.
Lymphangiomyomatosis (LAM). Also called: Lymphangioleiomyomatosis; Lymphangioleiomyomatosis, somatic. Identifiers: Orphanet 538, MedGen C0751674, MONDO:0011705, OMIM 606690.
Hereditary cancer-predisposing syndrome. Also called: Hereditary neoplastic syndrome; Neoplastic Syndromes, Hereditary; Tumor predisposition; Hereditary Cancer Syndrome. Identifiers: Orphanet 140162, MedGen C0027672, MeSH D009386, MONDO:0015356.

Allele frequency attached by ClinVar (database versions not stated): gnomAD exomes below 0.00001; gnomAD 0.00001; TOPMed 0.00001.
gnomAD v4.1: 1 of 1,614,012 alleles (0.000062%); highest among the groups gnomAD compares: African/African-American, 0.0013%; no homozygotes.

Submissions (6):

Labcorp Genetics (formerly Invitae), Labcorp
Classification: Benign for Tuberous sclerosis 2. Last evaluated: 2025-08-18. Review status: criteria provided, single submitter. Criteria: Invitae Variant Classification Sherloc (09022015). Collection method: clinical testing. Allele origin: germline.

St. Jude Molecular Pathology, St. Jude Children's Research Hospital
Classification: Uncertain significance for Tuberous sclerosis 2. Last evaluated: 2025-06-17. Review status: criteria provided, single submitter. Criteria: St. Jude Assertion Criteria 2020. Collection method: clinical testing. Allele origin: germline.
Comment: The TSC2 c.997G>T (p.Val333Leu) missense change has a maximum subpopulation frequency of 0.0061% in gnomAD v2.1.1. The in silico tool REVEL is inconclusive about a pathogenic or benign effect of this variant on protein function, and to our knowledge functional studies have not been performed. To our knowledge, this variant has not been reported in individuals with tuberous sclerosis complex. In summary, the evidence currently available is insufficient to determine the clinical significance of this variant. It has therefore been classified as of uncertain significance.

Ambry Genetics
Classification: Uncertain significance for Hereditary cancer-predisposing syndrome. Last evaluated: 2024-07-24. Review status: criteria provided, single submitter. Criteria: Ambry Variant Classification Scheme 2023. Collection method: clinical testing. Allele origin: germline.
Comment: The p.V333L variant (also known as c.997G>T), located in coding exon 10 of the TSC2 gene, results from a G to T substitution at nucleotide position 997. The valine at codon 333 is replaced by leucine, an amino acid with highly similar properties. This amino acid position is highly conserved in available vertebrate species. In addition, this alteration is predicted to be deleterious by in silico analysis. Since supporting evidence is limited at this time, the clinical significance of this alteration remains unclear.

All of Us Research Program, National Institutes of Health
Classification: Uncertain significance for Tuberous sclerosis syndrome. Last evaluated: 2023-12-18. Review status: criteria provided, single submitter. Criteria: ACMG Guidelines, 2015. Collection method: clinical testing. Allele origin: germline. Inheritance: Autosomal dominant inheritance. Observed: 1 variant allele, 1 heterozygote.
Comment: This missense variant replaces valine with leucine at codon 333 of the TSC2 protein. Computational prediction is inconclusive regarding the impact of this variant on protein structure and function (internally defined REVEL score threshold 0.5 < inconclusive < 0.7, PMID: 27666373). To our knowledge, functional studies have not been reported for this variant. This variant has not been reported in individuals affected with TSC2-related disorders in the literature. This variant has been identified in 1/251356 chromosomes in the general population by the Genome Aggregation Database (gnomAD). The available evidence is insufficient to determine the role of this variant in disease conclusively. Therefore, this variant is classified as a Variant of Uncertain Significance.

This study involves interpretation of variants in research participants for the purpose of population health screening. Participant phenotype was not available at the time of variant classification. Additional details can be found in publication PMID: 35346344, PMCID: PMC8962531

Fulgent Genetics
Classification: Uncertain significance for Lymphangiomyomatosis; Isolated focal cortical dysplasia type II; Tuberous sclerosis 2. Last evaluated: 2021-12-25. Review status: criteria provided, single submitter. Criteria: ACMG Guidelines, 2015. Collection method: clinical testing. Allele origin: unknown.

Athena Diagnostics
Classification: Uncertain significance. Last evaluated: 2021-11-09. Review status: criteria provided, single submitter. Criteria: Athena Diagnostics Criteria. Collection method: clinical testing. Allele origin: unknown.